The following is an entry in ClinVar:

NM_001458.5(FLNC):c.65C>T (p.Pro22Leu)

Gene: FLNC (filamin C; plus strand). Cytogenetic location: 7q32.1.
Variant type: single nucleotide variant.
Coding change: c.65C>T on transcript NM_001458.5 (MANE Select); coding-DNA position 65, C replaced by T.
Protein change: p.Pro22Leu; replaces proline 22 with leucine.
Molecular consequence: missense variant.
Genome position (GRCh38, 1-based): chr7:128,830,702, C>T. VCF-style: chr7-128830702-C-T. GRCh37 (hg19) VCF-style: chr7-128470756-C-T.
Other names: c.65C>T, p.Pro22Leu (NM_001127487.2); short protein forms P22L.
Identifiers: ClinVar variation 1959822 (VCV001959822.5), dbSNP rs908757095, ClinGen allele CA369215579.
Genomic context (GRCh38, chr7:128,830,702, plus strand): 5'-TGAACAACAGCGGCTACTCAGACGCCGGCCTCGGCCTGGGCGATGAGACAGACGAGATGC[C>T]GTCCACGGAGAAGGACCTGGCGGAGGACGCGCCGTGGAAGAAGATCCAGCAGAACACATT-3'
Protein context (NP_001449.3, residues 12-32): LGLGDETDEM[Pro22Leu]STEKDLAEDA

ClinVar aggregate classification (germline): Uncertain significance (1 of 4 stars; one submission).

Conditions:
Myofibrillar myopathy 5. Also called: Filaminopathy (type); FILAMINOPATHY, AUTOSOMAL DOMINANT. Identifiers: Orphanet 171445, MedGen C1836050, MONDO:0012289, OMIM 609524.
Distal myopathy with posterior leg and anterior hand involvement. Also called: WILLIAMS DISTAL MYOPATHY. Identifiers: Orphanet 63273, MedGen C3279722, MONDO:0013550, OMIM 614065.
Hypertrophic cardiomyopathy 26. Also called: Cardiomyopathy, familial hypertrophic, 26. Identifiers: Orphanet 75249, MedGen C4310749, MONDO:0014883, OMIM 617047.

Allele frequency attached by ClinVar (database versions not stated): TOPMed below 0.00001.

Submission:

Labcorp Genetics (formerly Invitae), Labcorp
Classification: Uncertain significance for Distal myopathy with posterior leg and anterior hand involvement; Myofibrillar myopathy 5; Hypertrophic cardiomyopathy 26. Last evaluated: 2022-05-21. Review status: criteria provided, single submitter. Criteria: Invitae Variant Classification Sherloc (09022015). Collection method: clinical testing. Allele origin: germline.
Comment: This sequence change replaces proline, which is neutral and non-polar, with leucine, which is neutral and non-polar, at codon 22 of the FLNC protein (p.Pro22Leu). This variant is not present in population databases (gnomAD no frequency). This variant has not been reported in the literature in individuals affected with FLNC-related conditions. In summary, the available evidence is currently insufficient to determine the role of this variant in disease. Therefore, it has been classified as a Variant of Uncertain Significance. Algorithms developed to predict the effect of missense changes on protein structure and function are either unavailable or do not agree on the potential impact of this missense change (SIFT: "Deleterious"; PolyPhen-2: "Benign"; Align-GVGD: "Class C0").